The following is an entry in ClinVar:

NM_000268.4(NF2):c.1085A>G (p.Gln362Arg)

Gene: NF2 (NF2, moesin-ezrin-radixin like (MERLIN) tumor suppressor; plus strand). Cytogenetic location: 22q12.2.
Variant type: single nucleotide variant.
Coding change: c.1085A>G on transcript NM_000268.4 (MANE Select); coding-DNA position 1085, A replaced by G.
Protein change: p.Gln362Arg; replaces glutamine 362 with arginine.
Molecular consequence: missense variant. On other transcripts: intron variant (1).
Genome position (GRCh38, 1-based): chr22:29,671,911, A>G. VCF-style: chr22-29671911-A-G. GRCh37 (hg19) VCF-style: chr22-30067900-A-G.
Other names: c.971A>G, p.Gln324Arg (NM_001407053.1, NM_001407056.1); c.962A>G, p.Gln321Arg (NM_001407054.1, NM_001407058.1, NM_181829.3); c.959A>G, p.Gln320Arg (NM_001407055.1, NM_181828.3); c.950A>G, p.Gln317Arg (NM_001407057.1, NM_001407059.1); c.1085A>G, p.Gln362Arg (NM_001407060.1, NM_001407066.1, NM_016418.5 and 2 more transcripts); c.827A>G, p.Gln276Arg (NM_001407062.1); c.836A>G, p.Gln279Arg (NM_001407063.1, NM_001407064.1, NM_181830.3 and 1 more transcripts); c.551A>G, p.Gln184Arg (NM_001407065.1); and 2 more; short protein forms Q184R, Q279R, Q317R, Q320R, Q324R, Q362R, Q285R, Q276R.
Identifiers: ClinVar variation 2784564 (VCV002784564.3), dbSNP rs2147073326, ClinGen allele CA411147062.
Genomic context (GRCh38, chr22:29,671,911, plus strand): 5'-AGAAGCAGATGAGGGAGGAGGCTGAACGCACGAGGGATGAGTTGGAGAGGAGGCTGCTGC[A>G]GATGAAAGAAGAAGCAACAATGGCCAACGAAGCACTGGTGATTTCTGAGGGGCTGGGGTT-3'
Protein context (NP_000259.1, residues 352-372): TRDELERRLL[Gln362Arg]MKEEATMANE

ClinVar aggregate classification (germline): Uncertain significance (1 of 4 stars; one submission).

Conditions:
Neurofibromatosis, type 2 (SWNV). Also called: BILATERAL ACOUSTIC NEUROFIBROMATOSIS; NF2-Related Schwannomatosis; SCHWANNOMATOSIS, VESTIBULAR. Identifiers: Orphanet 637, MedGen C0027832, MONDO:0007039, OMIM 101000. Disease mechanism: loss of function.

Submission:

Labcorp Genetics (formerly Invitae), Labcorp
Classification: Uncertain significance for Neurofibromatosis, type 2. Last evaluated: 2023-07-26. Review status: criteria provided, single submitter. Criteria: Invitae Variant Classification Sherloc (09022015). Collection method: clinical testing. Allele origin: germline.
Comment: In summary, the available evidence is currently insufficient to determine the role of this variant in disease. Therefore, it has been classified as a Variant of Uncertain Significance. Advanced modeling of protein sequence and biophysical properties (such as structural, functional, and spatial information, amino acid conservation, physicochemical variation, residue mobility, and thermodynamic stability) performed at Invitae indicates that this missense variant is not expected to disrupt NF2 protein function. This variant has not been reported in the literature in individuals affected with NF2-related conditions. This variant is not present in population databases (gnomAD no frequency). This sequence change replaces glutamine, which is neutral and polar, with arginine, which is basic and polar, at codon 362 of the NF2 protein (p.Gln362Arg).